The following is an entry in ClinVar:

NM_000453.3(SLC5A5):c.546C>T (p.Gly182=)

Gene: SLC5A5 (solute carrier family 5 member 5; plus strand). Cytogenetic location: 19p13.11.
Variant type: single nucleotide variant.
Coding change: c.546C>T on transcript NM_000453.3 (MANE Select); coding-DNA position 546, C replaced by T.
Protein change: p.Gly182=; no amino-acid change (glycine 182 retained).
Molecular consequence: synonymous variant.
Genome position (GRCh38, 1-based): chr19:17,875,954, C>T. VCF-style: chr19-17875954-C-T. GRCh37 (hg19) VCF-style: chr19-17986763-C-T.
Identifiers: ClinVar variation 777523 (VCV000777523.15), dbSNP rs8103545, ClinGen allele CA9302794.

ClinVar aggregate classification (germline): Benign/Likely benign. Review status: criteria provided, multiple submitters, no conflicts (2 of 4 stars). 5 submissions from 5 submitters: Benign (2); Likely benign (2). 1 of the submissions does not count toward it. Last evaluated 2026-05-12.

Conditions:
SLC5A5-related disorder. Also called: SLC5A5-related condition.
Thyroid dyshormonogenesis 1. Also called: THYROID HORMONOGENESIS, GENETIC DEFECT IN, 1; HYPOTHYROIDISM, CONGENITAL, DUE TO DYSHORMONOGENESIS, 1; IODINE ACCUMULATION, TRANSPORT, OR TRAPPING DEFECT; Familial thyroid dyshormonogenesis 1. Identifiers: Orphanet 95716, MedGen C1848805, MONDO:0020716, OMIM 274400.

Allele frequency attached by ClinVar (database versions not stated): gnomAD exomes 0.00427; 1000 Genomes Project 0.01577; ESP Exome Variant Server 0.01661; ExAC 0.00514; gnomAD 0.01705 and 0.01572; TOPMed 0.01717; 1000 Genomes Project 30x 0.01733.
gnomAD v4.1: 4,922 of 1,614,028 alleles (0.3%); highest among the groups gnomAD compares: African/African-American, 5.4%; 106 homozygotes.

Submissions (5):

Women's Health and Genetics/Laboratory Corporation of America, LabCorp
Classification: Benign. Last evaluated: 2026-05-12. Review status: criteria provided, single submitter. Criteria: LabCorp Variant Classification Summary - May 2015. Collection method: clinical testing. Allele origin: germline.

Labcorp Genetics (formerly Invitae), Labcorp
Classification: Benign. Last evaluated: 2026-01-31. Review status: criteria provided, single submitter. Criteria: Invitae Variant Classification Sherloc (09022015). Collection method: clinical testing. Allele origin: germline.

Illumina Laboratory Services, Illumina
Classification: Likely benign for Thyroid dyshormonogenesis 1. Last evaluated: 2018-01-12. Review status: criteria provided, single submitter. Criteria: ICSL Variant Classification Criteria 13 December 2019. Collection method: clinical testing. Allele origin: germline.
Comment: This variant was observed in the ICSL laboratory as part of a predisposition screen in an ostensibly healthy population. It had not been previously curated by ICSL or reported in the Human Gene Mutation Database (HGMD: prior to June 1st, 2018), and was therefore a candidate for classification through an automated scoring system. Utilizing variant allele frequency, disease prevalence and penetrance estimates, and inheritance mode, an automated score was calculated to assess if this variant is too frequent to cause the disease. Based on the score and internal cut-off values, a variant classified as likely benign is not then subjected to further curation. The score for this variant resulted in a classification of likely benign for this disease.

Breakthrough Genomics
Classification: Likely benign. Review status: criteria provided, single submitter. Criteria: ACMG Guidelines, 2015. Collection method: not provided. Allele origin: germline. Inheritance: Autosomal recessive inheritance. Affected: yes.

PreventionGenetics, part of Exact Sciences
Classification: Benign for SLC5A5-related condition. Last evaluated: 2019-07-30. Review status: no assertion criteria provided. Collection method: clinical testing. Allele origin: germline. Not counted in ClinVar's aggregate classification.
Comment: This variant is classified as benign based on ACMG/AMP sequence variant interpretation guidelines (Richards et al. 2015 PMID: 25741868, with internal and published modifications).